The following is an entry in ClinVar:

ClinVar aggregate classification (germline): Pathogenic (1 of 4 stars; one submission).

Submission:

Labcorp Genetics (formerly Invitae), Labcorp
Classification: Pathogenic. Last evaluated: 2022-08-19. Review status: criteria provided, single submitter. Criteria: Invitae Variant Classification Sherloc (09022015). Collection method: clinical testing. Allele origin: germline.
Comment: This sequence change creates a premature translational stop signal (p.Val531*) in the NEXMIF gene. It is expected to result in an absent or disrupted protein product. Loss-of-function variants in NEXMIF are known to be pathogenic (PMID: 23615299). This variant is not present in population databases (gnomAD no frequency). This variant has not been reported in the literature in individuals affected with NEXMIF-related conditions. For these reasons, this variant has been classified as Pathogenic.

Literature cited by the submitters: PubMed 23615299.

NM_001008537.3(NEXMIF):c.1591del (p.Lys530_Val531insTer)

Gene: NEXMIF (neurite extension and migration factor; minus strand). Cytogenetic location: Xq13.3.
Variant type: Deletion.
Coding change: c.1591del on transcript NM_001008537.3 (MANE Select); coding-DNA position 1591, one base deleted (G; older notation c.1591delG).
Protein change: p.Lys530_Val531insTer.
Molecular consequence: nonsense.
Genome position (GRCh38, 1-based): chrX:74,742,966, C deleted on the plus strand (G on the coding strand, the reverse complement: NEXMIF is on the minus strand). VCF-style (leftmost placement, unchanged base first): chrX-74742965-AC-A. GRCh37 (hg19) VCF-style: chrX-73962800-AC-A.
Identifiers: ClinVar variation 2024875 (VCV002024875.4), dbSNP rs2080112467, ClinGen allele CA2437590783.